The following is an entry in ClinVar:

ClinVar aggregate classification (germline): Uncertain significance (1 of 4 stars; one submission).

Conditions:
TTC8-related disorder. Also called: TTC8-related condition.

Submission:

PreventionGenetics, part of Exact Sciences
Classification: Uncertain significance for TTC8-related condition. Last evaluated: 2025-01-23. Review status: criteria provided, single submitter. Criteria: ACMG Guidelines, 2015. Collection method: clinical testing. Allele origin: germline.
Comment: The TTC8 c.624+2dupT variant is predicted to result in an intronic duplication. This variant is alternatively referred to as NM_198309:c.594+2dupT using legacy nomenclature. To our knowledge, this variant has not been reported in the literature or in a large population database (gnomAD), indicating this variant is rare. This variant is predicted to alter splicing based on available splicing prediction programs (SpliceAI, Jaganathan et al. 2019. PubMed ID: 30661751). However, the use of computer prediction programs is not equivalent to functional evidence. Other variants of the same splice site (NM_198309:c.594+1_594+2delGT, NM_198309:c.594+1G>A) have been reported in individuals affected with Bardet-Biedl syndrome (Stoetzel et al. 2005. PubMed ID: 16308660, Figure 2, listed as IVS6 alterations). Although we suspect that this variant may be pathogenic, at this time, the clinical significance of this variant is uncertain due to the absence of conclusive functional and genetic evidence.

NM_144596.4(TTC8):c.624+2dup

Gene: TTC8 (tetratricopeptide repeat domain 8; plus strand). Cytogenetic location: 14q31.3.
Variant type: Duplication.
Coding change: c.624+2dup on transcript NM_144596.4 (MANE Select); the canonical splice donor site of the intron after coding-DNA position 624, one base duplicated (T; older notation c.624+2dupT).
Molecular consequence: splice donor variant. On other transcripts: intron variant (1).
Genome position (GRCh38, 1-based): chr14:88,843,852, T duplicated. VCF-style (leftmost placement, unchanged base first): chr14-88843851-G-GT. GRCh37 (hg19) VCF-style: chr14-89310195-G-GT.
Other names: c.30+2295dup (NM_001288782.1); c.594+2dup (NM_001288781.1, NM_198309.3, NM_001366535.2); c.-154+2dup (NM_001288783.1); c.504+2dup (NM_198310.3, NM_001366536.2).
Identifiers: ClinVar variation 4978025 (VCV004978025.1).
Genomic context (GRCh38, chr14:88,843,851, plus strand): 5'-CTTTTTTCTTCACAGGCTTTGTTTGAGTATATCTTTCATCATGAAAATGATGTTAAGACT[G>GT]TAAGTTTTGAATTCATGCTATTTTCTTTTATTGTAATTTTTCTGACTTTGGAAGTTTAGA-3'